The following is an entry in ClinVar:

NM_024665.7(TBL1XR1):c.295T>A (p.Tyr99Asn)

Gene: TBL1XR1 (TBL1X/Y related 1; minus strand). Cytogenetic location: 3q26.32.
Variant type: single nucleotide variant.
Coding change: c.295T>A on transcript NM_024665.7 (MANE Select); coding-DNA position 295, T replaced by A.
Protein change: p.Tyr99Asn; replaces tyrosine 99 with asparagine.
Molecular consequence: missense variant.
Genome position (GRCh38, 1-based): chr3:177,051,636, A>T on the plus strand (T>A on the coding strand, the complement: TBL1XR1 is on the minus strand). VCF-style: chr3-177051636-A-T. GRCh37 (hg19) VCF-style: chr3-176769424-A-T.
Other names: c.295T>A, p.Tyr99Asn (NM_001321193.3, NM_001321194.3, NM_001374327.1 and 2 more transcripts); c.34T>A, p.Tyr12Asn (NM_001321195.3, NM_001374330.1); short protein forms Y12N, Y99N.
Identifiers: ClinVar variation 1329758 (VCV001329758.2), dbSNP rs2108497113, ClinGen allele CA355553314.

ClinVar aggregate classification (germline): Uncertain significance (1 of 4 stars; one submission).

Allele frequency attached by ClinVar (database versions not stated): gnomAD exomes below 0.00001.
gnomAD v4.1: 1 of 1,613,426 alleles (0.000062%); highest among the groups gnomAD compares: Non-Finnish European, 0.000085%; no homozygotes.

Submission:

GeneDx
Classification: Uncertain significance. Last evaluated: 2021-06-26. Review status: criteria provided, single submitter. Criteria: GeneDx Variant Classification Process June 2021. Collection method: clinical testing. Allele origin: germline. Affected: yes.
Comment: Not observed at significant frequency in large population cohorts (Lek et al., 2016); In silico analysis supports that this missense variant has a deleterious effect on protein structure/function; Has not been previously published as pathogenic or benign to our knowledge; This variant is associated with the following publications: (PMID: 27535533)